The following is an entry in ClinVar:

ClinVar aggregate classification (germline): Pathogenic (1 of 4 stars; one submission).

Submission:

GeneDx
Classification: Pathogenic. Last evaluated: 2023-08-08. Review status: criteria provided, single submitter. Criteria: GeneDx Variant Classification Process June 2021. Collection method: clinical testing. Allele origin: germline. Affected: yes.
Comment: Frameshift variant predicted to result in protein truncation or nonsense mediated decay in a gene for which loss of function is a known mechanism of disease; Not observed at significant frequency in large population cohorts (gnomAD); This variant is associated with the following publications: (PMID: 22461308)

NM_017780.4(CHD7):c.2181dup (p.Asp728fs)

Gene: CHD7 (chromodomain helicase DNA binding protein 7; plus strand). Cytogenetic location: 8q12.2.
Variant type: Duplication.
Coding change: c.2181dup on transcript NM_017780.4 (MANE Select); coding-DNA position 2181, one base duplicated (A; older notation c.2181dupA).
Protein change: p.Asp728fs; shifts the reading frame from aspartic acid 728.
Molecular consequence: frameshift variant. On other transcripts: intron variant (1).
Genome position (GRCh38, 1-based): chr8:60,795,070, A duplicated. VCF-style (leftmost placement, unchanged base first): chr8-60795069-T-TA. GRCh37 (hg19) VCF-style: chr8-61707628-T-TA.
Other names: c.1716+14020dup (NM_001316690.1); short protein forms D728fs.
Identifiers: ClinVar variation 3338833 (VCV003338833.1).